The following is an entry in ClinVar:

NM_000130.5(F5):c.4333A>T (p.Thr1445Ser)

Gene: F5 (coagulation factor V; minus strand). Cytogenetic location: 1q24.2.
Variant type: single nucleotide variant.
Coding change: c.4333A>T on transcript NM_000130.5 (MANE Select); coding-DNA position 4333, A replaced by T.
Protein change: p.Thr1445Ser; replaces threonine 1445 with serine.
Molecular consequence: missense variant.
Genome position (GRCh38, 1-based): chr1:169,540,757, T>A on the plus strand (A>T on the coding strand, the complement: F5 is on the minus strand). VCF-style: chr1-169540757-T-A. GRCh37 (hg19) VCF-style: chr1-169509995-T-A.
Other names: short protein forms T1445S.
Identifiers: ClinVar variation 4749622 (VCV004749622.1).
Genomic context (GRCh38, chr1:169,540,757, plus strand): 5'-AGAATATCTGATCAAGGTCTGGAGGAGGTGATATCTGGCTGAGATCCGGGAGAAGGGTGG[T>A]GTCACTGATGTCTGGAGAGAGAGTCACCTGGCTGAGGTCTGGGGAAAGGGACATCTGACC-3'
Protein context (NP_000121.2, residues 1435-1455): QVTLSPDISD[Thr1445Ser]TLLPDLSQIS

ClinVar aggregate classification (germline): Uncertain significance (1 of 4 stars; one submission).

Conditions:
Congenital factor V deficiency. Also called: LABILE FACTOR DEFICIENCY; OWREN PARAHEMOPHILIA; PARAHEMOPHILIA; Hereditary factor V deficiency disease. Identifiers: Orphanet 326, MedGen C0015499, MONDO:0009210, OMIM 227400.

gnomAD v4.1: 4 of 1,614,008 alleles (0.00025%); highest among the groups gnomAD compares: Non-Finnish European, 0.00034%; no homozygotes.

Submission:

Labcorp Genetics (formerly Invitae), Labcorp
Classification: Uncertain significance for Congenital factor V deficiency. Last evaluated: 2025-05-11. Review status: criteria provided, single submitter. Criteria: Invitae Variant Classification Sherloc (09022015). Collection method: clinical testing. Allele origin: germline.
Comment: This sequence change replaces threonine, which is neutral and polar, with serine, which is neutral and polar, at codon 1445 of the F5 protein (p.Thr1445Ser). This variant is present in population databases (no rsID available, gnomAD 0.002%). This variant has not been reported in the literature in individuals affected with F5-related conditions. Invitae Evidence Modeling of protein sequence and biophysical properties (such as structural, functional, and spatial information, amino acid conservation, physicochemical variation, residue mobility, and thermodynamic stability) indicates that this missense variant is not expected to disrupt F5 protein function with a negative predictive value of 95%. In summary, the available evidence is currently insufficient to determine the role of this variant in disease. Therefore, it has been classified as a Variant of Uncertain Significance.